The following is an entry in ClinVar:

NM_000368.5(TSC1):c.3435G>A (p.Pro1145=)

Gene: TSC1 (TSC complex subunit 1; minus strand). Cytogenetic location: 9q34.13.
Variant type: single nucleotide variant.
Coding change: c.3435G>A on transcript NM_000368.5 (MANE Select); coding-DNA position 3435, G replaced by A.
Protein change: p.Pro1145=; no amino-acid change (proline 1145 retained).
Molecular consequence: synonymous variant.
Genome position (GRCh38, 1-based): chr9:132,896,295, C>T on the plus strand (G>A on the coding strand, the complement: TSC1 is on the minus strand). VCF-style: chr9-132896295-C-T. GRCh37 (hg19) VCF-style: chr9-135771682-C-T.
Other names: p.P1145P:CCG>CCA; p.Pro1145=; c.3432G>A, p.Pro1144= (NM_001162426.2); c.3282G>A, p.Pro1094= (NM_001162427.2); c.3072G>A, p.Pro1024= (NM_001362177.2).
Identifiers: ClinVar variation 184529 (VCV000184529.64), dbSNP rs140352085, ClinGen allele CA007371.

ClinVar aggregate classification (germline): Benign/Likely benign. Review status: criteria provided, multiple submitters, no conflicts (2 of 4 stars). 18 submissions from 17 submitters: Benign (10); Likely benign (8). Last evaluated 2026-02-03.

Conditions:
Hereditary cancer-predisposing syndrome. Also called: Tumor predisposition; Neoplastic Syndromes, Hereditary; Hereditary Cancer Syndrome; Hereditary neoplastic syndrome. Identifiers: Orphanet 140162, MedGen C0027672, MeSH D009386, MONDO:0015356.
Lymphangiomyomatosis (LAM). Also called: Lymphangioleiomyomatosis, somatic; Lymphangioleiomyomatosis. Identifiers: Orphanet 538, MedGen C0751674, MONDO:0011705, OMIM 606690.
Isolated focal cortical dysplasia type II (FCORD2). Also called: CORTICAL DYSPLASIA OF TAYLOR; Focal cortical dysplasia type II. Identifiers: Orphanet 268994, MedGen C1846385, MONDO:0011818, OMIM 607341, HP:0032051.
Tuberous sclerosis 1 (TSC1). Identifiers: Orphanet 805, MedGen C1854465, MONDO:0008612, OMIM 191100.
Tuberous sclerosis syndrome (TSC). Also called: Tuberous Sclerosis Complex; Tuberous sclerosis. Identifiers: Orphanet 805, MedGen C0041341, MONDO:0001734.

Allele frequency attached by ClinVar (database versions not stated): gnomAD 0.00016 and 0.00027; ESP Exome Variant Server 0.00023; gnomAD exomes 0.00024 and 0.00030; ExAC 0.00033; TOPMed 0.00036; 1000 Genomes Project 30x 0.00078; 1000 Genomes Project 0.00080.

Submissions (18):

Labcorp Genetics (formerly Invitae), Labcorp
Classification: Benign for Tuberous sclerosis 1. Last evaluated: 2026-02-03. Review status: criteria provided, single submitter. Criteria: Invitae Variant Classification Sherloc (09022015). Collection method: clinical testing. Allele origin: germline.

CeGaT Center for Human Genetics Tuebingen
Classification: Likely benign. Last evaluated: 2025-11-01. Review status: criteria provided, single submitter. Criteria: CeGaT Center For Human Genetics Tuebingen Variant Classification Criteria Version 2. Collection method: clinical testing. Allele origin: germline. Affected: yes. Observed: 7 variant alleles.
Comment: TSC1: BP4, BP7

Myriad Genetics, Inc.
Classification: Benign for Tuberous sclerosis 1. Last evaluated: 2025-04-30. Review status: criteria provided, single submitter. Criteria: Myriad Autosomal Dominant, Autosomal Recessive and X-Linked Classification Criteria (2023). Collection method: clinical testing. Allele origin: unknown.
Comment: This variant is considered benign. This variant is a silent/synonymous amino acid change and it is not expected to impact splicing.

Mayo Clinic Laboratories, Mayo Clinic
Classification: Likely benign. Last evaluated: 2025-04-17. Review status: criteria provided, single submitter. Criteria: ACMG Guidelines, 2015. Collection method: clinical testing. Allele origin: germline. Observed: 1 variant allele.
Comment: BS1, BP4, BP7

ARUP Laboratories, Molecular Genetics and Genomics, ARUP Laboratories
Classification: Benign. Last evaluated: 2025-03-11. Review status: criteria provided, single submitter. Criteria: ARUP Molecular Germline Variant Investigation Process 2024. Collection method: clinical testing. Allele origin: germline.

Blueprint Genetics
Classification: Likely benign. Last evaluated: 2024-11-18. Review status: criteria provided, single submitter. Criteria: ACMG Guidelines, 2015. Collection method: clinical testing. Allele origin: germline.

All of Us Research Program, National Institutes of Health
Classification: Benign for Tuberous sclerosis syndrome. Last evaluated: 2024-02-05. Review status: criteria provided, single submitter. Criteria: ACMG Guidelines, 2015. Collection method: clinical testing. Allele origin: germline. Inheritance: Autosomal dominant inheritance. Observed: 47 variant alleles, 47 heterozygotes.
Comment: This study involves interpretation of variants in research participants for the purpose of population health screening. Participant phenotype was not available at the time of variant classification. Additional details can be found in publication PMID: 35346344, PMCID: PMC8962531

KCCC/NGS Laboratory, Kuwait Cancer Control Center
Classification: Benign for Tuberous sclerosis 1. Last evaluated: 2023-07-07. Review status: criteria provided, single submitter. Criteria: ACMG Guidelines, 2015. Collection method: clinical testing. Allele origin: germline. Affected: yes.

Department of Pathology and Laboratory Medicine, Sinai Health System
Classification: Likely benign for Tuberous sclerosis 1; Lymphangiomyomatosis; Isolated focal cortical dysplasia type II. Last evaluated: 2023-05-17. Review status: criteria provided, single submitter. Criteria: ACMG Guidelines, 2015. Collection method: clinical testing. Allele origin: germline. Affected: yes.

Color Diagnostics, LLC DBA Color Health
Classification: Benign for Tuberous sclerosis syndrome. Last evaluated: 2022-10-20. Review status: criteria provided, single submitter. Criteria: ACMG Guidelines, 2015. Collection method: clinical testing. Allele origin: germline.

Genome-Nilou Lab
Classification: Benign for Tuberous sclerosis 1. Last evaluated: 2021-11-07. Review status: criteria provided, single submitter. Criteria: ACMG Guidelines, 2015. Collection method: clinical testing. Allele origin: germline. Affected: no.

Quest Diagnostics Nichols Institute San Juan Capistrano
Classification: Benign. Last evaluated: 2021-07-20. Review status: criteria provided, single submitter. Criteria: Quest Diagnostics criteria. Collection method: clinical testing. Allele origin: unknown.

Sema4
Classification: Likely benign for Hereditary cancer-predisposing syndrome. Last evaluated: 2021-03-10. Review status: criteria provided, single submitter. Criteria: Sema4 Curation Guidelines. Collection method: curation. Allele origin: germline.

GeneDx
Classification: Benign. Last evaluated: 2019-09-25. Review status: criteria provided, single submitter. Criteria: GeneDx Variant Classification Process June 2021. Collection method: clinical testing. Allele origin: germline. Affected: yes.

Illumina Laboratory Services, Illumina
Classification: Benign for Isolated focal cortical dysplasia type II. Last evaluated: 2018-01-13. Review status: criteria provided, single submitter. Criteria: ICSL Variant Classification Criteria 13 December 2019. Collection method: clinical testing. Allele origin: germline.
Comment: This variant was observed in the ICSL laboratory as part of a predisposition screen in an ostensibly healthy population. It had not been previously curated by ICSL or reported in the Human Gene Mutation Database (HGMD: prior to June 1st, 2018), and was therefore a candidate for classification through an automated scoring system. Utilizing variant allele frequency, disease prevalence and penetrance estimates, and inheritance mode, an automated score was calculated to assess if this variant is too frequent to cause the disease. Based on the score and internal cut-off values, a variant classified as benign is not then subjected to further curation. The score for this variant resulted in a classification of benign for this disease.

Illumina Laboratory Services, Illumina
Classification: Likely benign for Tuberous sclerosis 1. Last evaluated: 2018-01-13. Review status: criteria provided, single submitter. Criteria: ICSL Variant Classification Criteria 13 December 2019. Collection method: clinical testing. Allele origin: germline.
Comment: This variant was observed in the ICSL laboratory as part of a predisposition screen in an ostensibly healthy population. It had not been previously curated by ICSL or reported in the Human Gene Mutation Database (HGMD: prior to June 1st, 2018), and was therefore a candidate for classification through an automated scoring system. Utilizing variant allele frequency, disease prevalence and penetrance estimates, and inheritance mode, an automated score was calculated to assess if this variant is too frequent to cause the disease. Based on the score and internal cut-off values, a variant classified as likely benign is not then subjected to further curation. The score for this variant resulted in a classification of likely benign for this disease.

Eurofins Ntd Llc (ga)
Classification: Likely benign. Last evaluated: 2015-04-30. Review status: criteria provided, single submitter. Criteria: EGL Classification Definitions 2015. Collection method: clinical testing. Allele origin: germline. Observed: 1 variant allele, 1 heterozygote.

Ambry Genetics
Classification: Likely benign for Hereditary cancer-predisposing syndrome. Last evaluated: 2014-10-13. Review status: criteria provided, single submitter. Criteria: Ambry Variant Classification Scheme 2023. Collection method: clinical testing. Allele origin: germline.